The following is an entry in ClinVar:

ClinVar aggregate classification (germline): Uncertain significance (1 of 4 stars; one submission).

Allele frequency attached by ClinVar (database versions not stated): TOPMed below 0.00001.

Submission:

Labcorp Genetics (formerly Invitae), Labcorp
Classification: Uncertain significance. Last evaluated: 2022-10-17. Review status: criteria provided, single submitter. Criteria: Invitae Variant Classification Sherloc (09022015). Collection method: clinical testing. Allele origin: germline.
Comment: This sequence change replaces arginine, which is basic and polar, with glutamine, which is neutral and polar, at codon 941 of the CCDC88A protein (p.Arg941Gln). This variant is not present in population databases (gnomAD no frequency). This variant has not been reported in the literature in individuals affected with CCDC88A-related conditions. Algorithms developed to predict the effect of missense changes on protein structure and function are either unavailable or do not agree on the potential impact of this missense change (SIFT: "Tolerated"; PolyPhen-2: "Probably Damaging"; Align-GVGD: "Class C0"). In summary, the available evidence is currently insufficient to determine the role of this variant in disease. Therefore, it has been classified as a Variant of Uncertain Significance.

NM_001365480.1(CCDC88A):c.2822G>A (p.Arg941Gln)

Gene: CCDC88A (coiled-coil domain containing 88A; minus strand). Cytogenetic location: 2p16.1.
Variant type: single nucleotide variant.
Coding change: c.2822G>A on transcript NM_001365480.1 (MANE Select); coding-DNA position 2822, G replaced by A.
Protein change: p.Arg941Gln; replaces arginine 941 with glutamine.
Molecular consequence: missense variant.
Genome position (GRCh38, 1-based): chr2:55,332,599, C>T on the plus strand (G>A on the coding strand, the complement: CCDC88A is on the minus strand). VCF-style: chr2-55332599-C-T. GRCh37 (hg19) VCF-style: chr2-55559735-C-T.
Other names: c.2822G>A, p.Arg941Gln (NM_001135597.2, NM_001254943.2, NM_018084.5); short protein forms R941Q.
Identifiers: ClinVar variation 1912718 (VCV001912718.2), dbSNP rs1233940911, ClinGen allele CA346896781.